The following is an entry in ClinVar:

NM_005751.5(AKAP9):c.3563T>C (p.Ile1188Thr)

Gene: AKAP9 (A-kinase anchoring protein 9; plus strand). Cytogenetic location: 7q21.2.
Variant type: single nucleotide variant.
Coding change: c.3563T>C on transcript NM_005751.5 (MANE Select); coding-DNA position 3563, T replaced by C.
Protein change: p.Ile1188Thr; replaces isoleucine 1188 with threonine.
Molecular consequence: missense variant.
Genome position (GRCh38, 1-based): chr7:92,014,279, T>C. VCF-style: chr7-92014279-T-C. GRCh37 (hg19) VCF-style: chr7-91643593-T-C.
Other names: c.3563T>C, p.Ile1188Thr (NM_147185.3); c.3563T>C (NM_005751.4); short protein forms I1188T.
Identifiers: ClinVar variation 1461248 (VCV001461248.10), dbSNP rs147986403, ClinGen allele CA4336334.

ClinVar aggregate classification (germline): Uncertain significance. Review status: criteria provided, multiple submitters, no conflicts (2 of 4 stars). 3 submissions from 3 submitters: Uncertain significance (3). Last evaluated 2025-07-16.

Conditions:
Cardiovascular phenotype. Identifiers: MedGen CN230736.
Long QT syndrome (LQTS). Identifiers: MedGen C0023976, MeSH D008133, MONDO:0002442. Disease mechanism: loss of function. Inheritance: Various modes of inheritance.
Long QT syndrome 11 (LQT11). Identifiers: Orphanet 101016, Orphanet 768, MedGen C2678483, MONDO:0012738, OMIM 611820.

Allele frequency attached by ClinVar (database versions not stated): ExAC 0.00003; TOPMed 0.00003; gnomAD exomes 0.00004; gnomAD 0.00006; ESP Exome Variant Server 0.00008; 1000 Genomes Project 30x 0.00016; 1000 Genomes Project 0.00020.
gnomAD v4.1: 28 of 1,613,482 alleles (0.0017%); highest among the groups gnomAD compares: African/African-American, 0.004%; no homozygotes.

Submissions (3):

Ambry Genetics
Classification: Uncertain significance for Cardiovascular phenotype. Last evaluated: 2025-07-16. Review status: criteria provided, single submitter. Criteria: Ambry Variant Classification Scheme 2023. Collection method: clinical testing. Allele origin: germline.
Comment: The p.I1188T variant (also known as c.3563T>C), located in coding exon 10 of the AKAP9 gene, results from a T to C substitution at nucleotide position 3563. The isoleucine at codon 1188 is replaced by threonine, an amino acid with similar properties. This amino acid position is well conserved in available vertebrate species. In addition, this alteration is predicted to be tolerated by in silico analysis. Based on the available evidence, the clinical significance of this variant remains unclear.

Labcorp Genetics (formerly Invitae), Labcorp
Classification: Uncertain significance for Long QT syndrome. Last evaluated: 2022-03-18. Review status: criteria provided, single submitter. Criteria: Invitae Variant Classification Sherloc (09022015). Collection method: clinical testing. Allele origin: germline.
Comment: This sequence change replaces isoleucine, which is neutral and non-polar, with threonine, which is neutral and polar, at codon 1188 of the AKAP9 protein (p.Ile1188Thr). This variant is present in population databases (rs147986403, gnomAD 0.02%). This variant has not been reported in the literature in individuals affected with AKAP9-related conditions. Algorithms developed to predict the effect of missense changes on protein structure and function (SIFT, PolyPhen-2, Align-GVGD) all suggest that this variant is likely to be tolerated. In summary, the available evidence is currently insufficient to determine the role of this variant in disease. Therefore, it has been classified as a Variant of Uncertain Significance.

Fulgent Genetics
Classification: Uncertain significance for Long QT syndrome 11. Last evaluated: 2021-08-13. Review status: criteria provided, single submitter. Criteria: ACMG Guidelines, 2015. Collection method: clinical testing. Allele origin: unknown.